The following is an entry in ClinVar:

NM_005618.4(DLL1):c.154C>G (p.Pro52Ala)

Gene: DLL1 (delta like canonical Notch ligand 1; minus strand). Cytogenetic location: 6q27.
Variant type: single nucleotide variant.
Coding change: c.154C>G on transcript NM_005618.4 (MANE Select); coding-DNA position 154, C replaced by G.
Protein change: p.Pro52Ala; replaces proline 52 with alanine.
Molecular consequence: missense variant.
Genome position (GRCh38, 1-based): chr6:170,289,709, G>C on the plus strand (C>G on the coding strand, the complement: DLL1 is on the minus strand). VCF-style: chr6-170289709-G-C. GRCh37 (hg19) VCF-style: chr6-170598797-G-C.
Other names: short protein forms P52A.
Identifiers: ClinVar variation 1719568 (VCV001719568.5), dbSNP rs1273145257, ClinGen allele CA366510223.

ClinVar aggregate classification (germline): Uncertain significance (1 of 4 stars; one submission).

Submission:

Labcorp Genetics (formerly Invitae), Labcorp
Classification: Uncertain significance. Last evaluated: 2022-09-16. Review status: criteria provided, single submitter. Criteria: Invitae Variant Classification Sherloc (09022015). Collection method: clinical testing. Allele origin: germline.
Comment: This sequence change replaces proline, which is neutral and non-polar, with alanine, which is neutral and non-polar, at codon 52 of the DLL1 protein (p.Pro52Ala). This variant is not present in population databases (gnomAD no frequency). This variant has not been reported in the literature in individuals affected with DLL1-related conditions. Algorithms developed to predict the effect of missense changes on protein structure and function (SIFT, PolyPhen-2, Align-GVGD) all suggest that this variant is likely to be tolerated. In summary, the available evidence is currently insufficient to determine the role of this variant in disease. Therefore, it has been classified as a Variant of Uncertain Significance.